The following is an entry in ClinVar:

NM_006459.4(ERLIN1):c.496A>G (p.Thr166Ala)

Gene: ERLIN1 (ER lipid raft associated 1; minus strand). Cytogenetic location: 10q24.31.
Variant type: single nucleotide variant.
Coding change: c.496A>G on transcript NM_006459.4 (MANE Select); coding-DNA position 496, A replaced by G.
Protein change: p.Thr166Ala; replaces threonine 166 with alanine.
Molecular consequence: missense variant. On other transcripts: non-coding transcript variant (6).
Genome position (GRCh38, 1-based): chr10:100,174,216, T>C on the plus strand (A>G on the coding strand, the complement: ERLIN1 is on the minus strand). VCF-style: chr10-100174216-T-C. GRCh37 (hg19) VCF-style: chr10-101933973-T-C.
Other names: c.496A>G, p.Thr166Ala (NM_001100626.2, NM_001347857.2, NM_001347859.2 and 2 more transcripts); c.244A>G, p.Thr82Ala (NM_001347856.2); c.16A>G, p.Thr6Ala (NM_001347858.2); c.496A>G (NM_006459.3); short protein forms T6A, T166A, T82A.
Identifiers: ClinVar variation 1416413 (VCV001416413.7), dbSNP rs1347300132, ClinGen allele CA378154241.
Genomic context (GRCh38, chr10:100,174,216, plus strand): 5'-AAACTCAAAGCTCTCAAAATCCCCAGAGAACTTCCCTAGGAAAAGAACTTACCTGTATAG[T>C]GAGACCTGGGGCCATGAGGTTTAAGTCTTTCTGCAGAGCTTGCTTCAGGTTTTCATCTAT-3'
Protein context (NP_006450.2, residues 156-176): KDLNLMAPGL[Thr166Ala]IQAVRVTKPK

ClinVar aggregate classification (germline): Uncertain significance. Review status: criteria provided, multiple submitters, no conflicts (2 of 4 stars). 2 submissions from 2 submitters: Uncertain significance (2). Last evaluated 2023-05-03.

Conditions:
Hereditary spastic paraplegia 62. Also called: Spastic paraplegia 62, autosomal recessive. Identifiers: Orphanet 401785, MedGen C4284588, MONDO:0014302, OMIM 615681.

Allele frequency attached by ClinVar (database versions not stated): gnomAD exomes below 0.00001 and 0.00001.
gnomAD v4.1: 3 of 1,561,030 alleles (0.00019%); highest among the groups gnomAD compares: South Asian, 0.0035%; no homozygotes.

Submissions (2):

Ambry Genetics
Classification: Uncertain significance. Last evaluated: 2023-05-03. Review status: criteria provided, single submitter. Criteria: Ambry Variant Classification Scheme 2023. Collection method: clinical testing. Allele origin: germline.

Labcorp Genetics (formerly Invitae), Labcorp
Classification: Uncertain significance for Hereditary spastic paraplegia 62. Last evaluated: 2021-10-30. Review status: criteria provided, single submitter. Criteria: Invitae Variant Classification Sherloc (09022015). Collection method: clinical testing. Allele origin: germline.
Comment: In summary, the available evidence is currently insufficient to determine the role of this variant in disease. Therefore, it has been classified as a Variant of Uncertain Significance. Algorithms developed to predict the effect of missense changes on protein structure and function (SIFT, PolyPhen-2, Align-GVGD) all suggest that this variant is likely to be tolerated. This variant has not been reported in the literature in individuals affected with ERLIN1-related conditions. The frequency data for this variant in the population databases is considered unreliable, as metrics indicate poor data quality at this position in the gnomAD database. This sequence change replaces threonine, which is neutral and polar, with alanine, which is neutral and non-polar, at codon 166 of the ERLIN1 protein (p.Thr166Ala).